The following is an entry in ClinVar:

ClinVar aggregate classification (germline): Uncertain significance (1 of 4 stars; one submission).

Conditions:
Long QT syndrome 1 (LQT1). Identifiers: Orphanet 101016, Orphanet 768, MedGen C4551647, MONDO:0100316, OMIM 192500, MONDO:0008646.

Allele frequency attached by ClinVar (database versions not stated): gnomAD exomes below 0.00001; ExAC 0.00001.
gnomAD v4.1: 2 of 1,584,382 alleles (0.00013%); highest among the groups gnomAD compares: Admixed American, 0.0018%; no homozygotes.

Submission:

Labcorp Genetics (formerly Invitae), Labcorp
Classification: Uncertain significance for Long QT syndrome 1. Last evaluated: 2022-10-25. Review status: criteria provided, single submitter. Criteria: Invitae Variant Classification Sherloc (09022015). Collection method: clinical testing. Allele origin: germline.
Comment: This sequence change replaces alanine, which is neutral and non-polar, with threonine, which is neutral and polar, at codon 104 of the CALM3 protein (p.Ala104Thr). The frequency data for this variant in the population databases is considered unreliable, as metrics indicate poor data quality at this position in the gnomAD database. This variant has not been reported in the literature in individuals affected with CALM3-related conditions. Algorithms developed to predict the effect of missense changes on protein structure and function are either unavailable or do not agree on the potential impact of this missense change (SIFT: "Deleterious"; PolyPhen-2: "Benign"; Align-GVGD: "Class C55"). In summary, the available evidence is currently insufficient to determine the role of this variant in disease. Therefore, it has been classified as a Variant of Uncertain Significance.

NM_005184.4(CALM3):c.310G>A (p.Ala104Thr)

Gene: CALM3 (calmodulin 3; plus strand). Cytogenetic location: 19q13.32.
Variant type: single nucleotide variant.
Coding change: c.310G>A on transcript NM_005184.4 (MANE Select); coding-DNA position 310, G replaced by A.
Protein change: p.Ala104Thr; replaces alanine 104 with threonine.
Molecular consequence: missense variant.
Genome position (GRCh38, 1-based): chr19:46,608,870, G>A. VCF-style: chr19-46608870-G-A. GRCh37 (hg19) VCF-style: chr19-47112127-G-A.
Other names: c.202G>A, p.Ala68Thr (NM_001329921.1, NM_001329923.1, NM_001329924.2 and 2 more transcripts); c.310G>A, p.Ala104Thr (NM_001329922.1); short protein forms A104T, A68T.
Identifiers: ClinVar variation 2171883 (VCV002171883.4), dbSNP rs767096742, ClinGen allele CA9529820.